The following is an entry in ClinVar:

ClinVar aggregate classification (germline): Pathogenic (1 of 4 stars; one submission).

Conditions:
Familial adenomatous polyposis 1 (FAP1). Also called: FAMILIAL ADENOMATOUS POLYPOSIS 1, ATTENUATED; POLYPOSIS, ADENOMATOUS INTESTINAL. Identifiers: MedGen C2713442, MONDO:0021056, OMIM 175100. Disease mechanism: loss of function.

Submission:

Labcorp Genetics (formerly Invitae), Labcorp
Classification: Pathogenic for Familial adenomatous polyposis 1. Last evaluated: 2025-07-06. Review status: criteria provided, single submitter. Criteria: Invitae Variant Classification Sherloc (09022015). Collection method: clinical testing. Allele origin: germline.
Comment: This sequence change creates a premature translational stop signal (p.Val530Trpfs*4) in the APC gene. It is expected to result in an absent or disrupted protein product. Loss-of-function variants in APC are known to be pathogenic (PMID: 17963004, 20685668). This variant is not present in population databases (gnomAD no frequency). This variant has not been reported in the literature in individuals affected with APC-related conditions. For these reasons, this variant has been classified as Pathogenic.

Literature cited by the submitters: PubMed 17963004; PubMed 20685668.

NM_000038.6(APC):c.1587del (p.Val530fs)

Gene: APC (APC regulator of Wnt signaling pathway; plus strand). Cytogenetic location: 5q22.2.
Variant type: Deletion.
Coding change: c.1587del on transcript NM_000038.6 (MANE Select); coding-DNA position 1587, one base deleted (T; older notation c.1587delT).
Protein change: p.Val530fs; shifts the reading frame from valine 530.
Molecular consequence: frameshift variant.
Genome position (GRCh38, 1-based): chr5:112,827,967, T deleted; the last of 2 consecutive T bases (chr5:112,827,966-112,827,967); deleting either gives the same sequence. VCF-style (leftmost placement, unchanged base first): chr5-112827965-CT-C. GRCh37 (hg19) VCF-style: chr5-112163662-CT-C.
Other names: c.1587del, p.Val530fs (NM_001127510.3, NM_001354895.2, NM_001407450.1); c.1533del, p.Val512fs (NM_001127511.3); c.1641del, p.Val548fs (NM_001354896.2, NM_001407447.1, NM_001407448.1 and 1 more transcripts); c.1617del, p.Val540fs (NM_001354897.2); c.1512del, p.Val505fs (NM_001354898.2); c.1503del, p.Val502fs (NM_001354899.2); c.1464del, p.Val489fs (NM_001354900.2); c.1410del, p.Val471fs (NM_001354901.2, NM_001407453.1); and 11 more; short protein forms V247fs, V401fs, V429fs, V471fs, V512fs, V520fs, V540fs, V370fs.
Identifiers: ClinVar variation 4722714 (VCV004722714.1).